The following is an entry in ClinVar:

NM_032242.4(PLXNA1):c.4692G>A (p.Ala1564=)

Gene: PLXNA1 (plexin A1; plus strand). Cytogenetic location: 3q21.3.
Variant type: single nucleotide variant.
Coding change: c.4692G>A on transcript NM_032242.4 (MANE Select); coding-DNA position 4692, G replaced by A.
Protein change: p.Ala1564=; no amino-acid change (alanine 1564 retained).
Molecular consequence: synonymous variant.
Genome position (GRCh38, 1-based): chr3:127,029,015, G>A. VCF-style: chr3-127029015-G-A. GRCh37 (hg19) VCF-style: chr3-126747858-G-A.
Other names: c.4692G>A (NM_032242.3).
Identifiers: ClinVar variation 2725675 (VCV002725675.10), dbSNP rs147620923, ClinGen allele CA2594469.

ClinVar aggregate classification (germline): Likely benign. Review status: criteria provided, multiple submitters, no conflicts (2 of 4 stars). 4 submissions from 4 submitters: Likely benign (3). 1 of the submissions does not count toward it. Last evaluated 2026-03-01.

Conditions:
PLXNA1-related disorder. Also called: PLXNA1-related condition.

Allele frequency attached by ClinVar (database versions not stated): ESP Exome Variant Server 0.00015; gnomAD 0.00015; 1000 Genomes Project 30x 0.00016; gnomAD exomes 0.00016; 1000 Genomes Project 0.00020; ExAC 0.00023; TOPMed 0.00023.
gnomAD v4.1: 251 of 1,613,296 alleles (0.016%); highest among the groups gnomAD compares: Admixed American, 0.092%; 2 homozygotes.

Submissions (4):

CeGaT Center for Human Genetics Tuebingen
Classification: Likely benign. Last evaluated: 2026-03-01. Review status: criteria provided, single submitter. Criteria: CeGaT Center For Human Genetics Tuebingen Variant Classification Criteria Version 2. Collection method: clinical testing. Allele origin: germline. Affected: yes. Observed: 1 variant allele.
Comment: PLXNA1: BP4, BP7

Blueprint Genetics
Classification: Likely benign. Last evaluated: 2024-11-14. Review status: criteria provided, single submitter. Criteria: ACMG Guidelines, 2015. Collection method: clinical testing. Allele origin: germline.

Labcorp Genetics (formerly Invitae), Labcorp
Classification: Likely benign. Last evaluated: 2024-05-16. Review status: criteria provided, single submitter. Criteria: Invitae Variant Classification Sherloc (09022015). Collection method: clinical testing. Allele origin: germline.

PreventionGenetics, part of Exact Sciences
Classification: Likely benign for PLXNA1-related condition. Last evaluated: 2019-02-22. Review status: no assertion criteria provided. Collection method: clinical testing. Allele origin: germline. Not counted in ClinVar's aggregate classification.
Comment: This variant is classified as likely benign based on ACMG/AMP sequence variant interpretation guidelines (Richards et al. 2015 PMID: 25741868, with internal and published modifications).